The following is an entry in ClinVar:

NM_003709.4(KLF7):c.419C>G (p.Ser140Trp)

Gene: KLF7 (KLF transcription factor 7; minus strand). Cytogenetic location: 2q33.3.
Variant type: single nucleotide variant.
Coding change: c.419C>G on transcript NM_003709.4 (MANE Select); coding-DNA position 419, C replaced by G.
Protein change: p.Ser140Trp; replaces serine 140 with tryptophan.
Molecular consequence: missense variant.
Genome position (GRCh38, 1-based): chr2:207,124,088, G>C on the plus strand (C>G on the coding strand, the complement: KLF7 is on the minus strand). VCF-style: chr2-207124088-G-C. GRCh37 (hg19) VCF-style: chr2-207988812-G-C.
Other names: c.419C>G, p.Ser140Trp (NM_001270942.1); c.320C>G, p.Ser107Trp (NM_001270943.2); c.335C>G, p.Ser112Trp (NM_001270944.2); short protein forms S107W, S112W, S140W.
Identifiers: ClinVar variation 3373532 (VCV003373532.1).

ClinVar aggregate classification (germline): Uncertain significance (1 of 4 stars; one submission).

Submission:

GeneDx
Classification: Uncertain significance. Last evaluated: 2024-02-29. Review status: criteria provided, single submitter. Criteria: GeneDx Variant Classification Process June 2021. Collection method: clinical testing. Allele origin: germline. Affected: yes.
Comment: Not observed at significant frequency in large population cohorts (gnomAD); In silico analysis supports that this missense variant has a deleterious effect on protein structure/function; Has not been previously published as pathogenic or benign to our knowledge